The following is an entry in ClinVar:

NM_001042492.3(NF1):c.798_799del (p.Trp267fs)

Gene: NF1 (neurofibromin 1; plus strand). Cytogenetic location: 17q11.2.
Variant type: Deletion.
Coding change: c.798_799del on transcript NM_001042492.3 (MANE Select); coding-DNA positions 798 to 799, 2 bases deleted (TT; older notation c.798_799delTT).
Protein change: p.Trp267fs; shifts the reading frame from tryptophan 267.
Molecular consequence: frameshift variant.
Genome position (GRCh38, 1-based): chr17:31,182,575-31,182,576, TT deleted; deleting any 2 consecutive bases within chr17:31,182,574-31,182,576 gives the same sequence; the c. name uses the placement nearest the transcript's 3' end. VCF-style (leftmost placement, unchanged base first): chr17-31182573-GTT-G. GRCh37 (hg19) VCF-style: chr17-29509591-GTT-G.
Other names: c.798_799del, p.Trp267fs (NM_000267.4, NM_001128147.3); short protein forms W267fs.
Identifiers: ClinVar variation 4860936 (VCV004860936.1).

ClinVar aggregate classification (germline): Pathogenic (1 of 4 stars; one submission).

Conditions:
Cardiovascular phenotype. Identifiers: MedGen CN230736.
Hereditary cancer-predisposing syndrome. Also called: Neoplastic Syndromes, Hereditary; Tumor predisposition; Hereditary Cancer Syndrome; Hereditary neoplastic syndrome. Identifiers: Orphanet 140162, MedGen C0027672, MeSH D009386, MONDO:0015356.

Submission:

Ambry Genetics
Classification: Pathogenic for Cardiovascular phenotype; Hereditary cancer-predisposing syndrome. Last evaluated: 2026-04-29. Review status: criteria provided, single submitter. Criteria: Ambry Variant Classification Scheme 2023. Collection method: clinical testing. Allele origin: germline.
Comment: The c.798_799delTT pathogenic mutation, located in coding exon 8 of the NF1 gene, results from a deletion of two nucleotides at nucleotide positions 798 to 799, causing a translational frameshift with a predicted alternate stop codon (p.W267Afs*23). This variant is considered to be rare based on population cohorts in the Genome Aggregation Database (gnomAD). This alteration is expected to result in loss of function by premature protein truncation or nonsense-mediated mRNA decay. As such, this alteration is interpreted as a disease-causing mutation.